The following is an entry in ClinVar:

NM_000059.4(BRCA2):c.9868del (p.Val3290fs)

Gene: BRCA2 (BRCA2 DNA repair associated; plus strand). Cytogenetic location: 13q13.1.
Variant type: Deletion.
Coding change: c.9868del on transcript NM_000059.4 (MANE Select); coding-DNA position 9868, one base deleted (G; older notation c.9868delG).
Protein change: p.Val3290fs; shifts the reading frame from valine 3290.
Molecular consequence: frameshift variant.
Genome position (GRCh38, 1-based): chr13:32,398,381, G deleted. VCF-style (leftmost placement, unchanged base first): chr13-32398380-TG-T. GRCh37 (hg19) VCF-style: chr13-32972517-TG-T.
Other names: 10096delG; c.9868delG (NM_000059.3); short protein forms V3290fs.
Identifiers: ClinVar variation 52909 (VCV000052909.38), dbSNP rs80359776, ClinGen allele CA026317.
Genomic context (GRCh38, chr13:32,398,380, plus strand): 5'-AGCCTTGGATTTCTTGAGTAGACTGCCTTTACCTCCACCTGTTAGTCCCATTTGTACATT[TG>T]TTTCTCCGGCTGCACAGAAGGCATTTCAGCCACCAAGGAGTTGTGGCACCAAATACGAAA-3'

ClinVar aggregate classification (germline): Pathogenic. Review status: reviewed by expert panel (3 of 4 stars). 4 submissions from 4 submitters: Pathogenic (1). 3 of the submissions do not count toward it. Last evaluated 2016-09-08.

Conditions:
Hereditary breast ovarian cancer syndrome. Also called: Breast and ovarian cancer; BRCA1- and BRCA2-Associated Hereditary Breast and Ovarian Cancer; Hereditary breast and ovarian cancer; Hereditary breast and ovarian cancer syndrome (HBOC); Hereditary breast and ovarian cancer syndrome; Hereditary breast and/or ovarian cancer syndrome. Identifiers: Orphanet 145, MedGen C0677776, MeSH D061325, MONDO:0003582. Disease mechanism: loss of function.
Breast-ovarian cancer, familial, susceptibility to, 2 (BROVCA2). Also called: BRCA2 Hereditary Breast and Ovarian Cancer. Identifiers: Orphanet 145, MedGen C2675520, MONDO:0012933, OMIM 612555. Disease mechanism: loss of function.

Submissions (4):

Evidence-based Network for the Interpretation of Germline Mutant Alleles (ENIGMA)
Classification: Pathogenic for Breast-ovarian cancer, familial, susceptibility to, 2. Last evaluated: 2016-09-08. Review status: reviewed by expert panel. Criteria: ENIGMA BRCA1/2 Classification Criteria (2015). Collection method: curation. Allele origin: germline.
Comment: Variant allele predicted to encode a truncated non-functional protein.

CeGaT Center for Human Genetics Tuebingen
Classification: Likely pathogenic. Last evaluated: 2023-03-01. Review status: criteria provided, single submitter. Criteria: CeGaT Center For Human Genetics Tuebingen Variant Classification Criteria Version 2. Collection method: clinical testing. Allele origin: germline. Affected: yes. Observed: 2 variant alleles. Not counted in ClinVar's aggregate classification.
Comment: BRCA2: PVS1:Strong, PM2

Labcorp Genetics (formerly Invitae), Labcorp
Classification: Pathogenic for Hereditary breast ovarian cancer syndrome. Last evaluated: 2020-02-17. Review status: criteria provided, single submitter. Criteria: Invitae Variant Classification Sherloc (09022015). Collection method: clinical testing. Allele origin: germline. Not counted in ClinVar's aggregate classification.
Comment: For these reasons, this variant has been classified as Pathogenic. This variant is expected to partially affect the amino acid residues Ala3270-Gly3305, which are critical for RAD51-mediated DNA repair activity of the BRCA2 protein (PMID: 17515903, 24323938). Other variant(s) that disrupt this region (p.Tyr3308*) have been determined to be pathogenic (PMID: 17026620, 22711857, 18593900, 18607349). This suggests that variants that disrupt this region of the protein are likely to be causative of disease. This variant has not been reported in the literature in individuals with BRCA2-related conditions. ClinVar contains an entry for this variant (Variation ID: 52909). This variant is not present in population databases (ExAC no frequency). This sequence change results in a premature translational stop signal in the BRCA2 gene (p.Val3290Phefs*23). While this is not anticipated to result in nonsense mediated decay, it is expected to disrupt the last 129 amino acids of the BRCA2 protein.

Breast Cancer Information Core (BIC) (BRCA2)
Classification: Pathogenic for Breast-ovarian cancer, familial 2. Last evaluated: 2002-05-29. Review status: no assertion criteria provided. Collection method: clinical testing. Allele origin: germline. Affected: yes. Observed: 1 variant allele. Not counted in ClinVar's aggregate classification.

Literature cited by the submitters: PubMed 17515903 (cited by Labcorp Genetics (formerly Invitae), Labcorp); PubMed 24323938 (cited by Labcorp Genetics (formerly Invitae), Labcorp); PubMed 17026620 (cited by Labcorp Genetics (formerly Invitae), Labcorp); PubMed 22711857 (cited by Labcorp Genetics (formerly Invitae), Labcorp); PubMed 18593900 (cited by Labcorp Genetics (formerly Invitae), Labcorp); PubMed 18607349 (cited by Labcorp Genetics (formerly Invitae), Labcorp).